The following is an entry in ClinVar:

NM_001267550.2(TTN):c.58490T>C (p.Met19497Thr)

Genes: TTN (titin; minus strand), TTN-AS1 (TTN antisense RNA 1; plus strand). Cytogenetic location: 2q31.2.
Variant type: single nucleotide variant.
Coding change: c.58490T>C on transcript NM_001267550.2 (MANE Select); coding-DNA position 58490, T replaced by C.
Protein change: p.Met19497Thr; replaces methionine 19497 with threonine.
Molecular consequence: missense variant.
Genome position (GRCh38, 1-based): chr2:178,593,810, A>G on the plus strand (T>C on the coding strand, the complement: TTN is on the minus strand). VCF-style: chr2-178593810-A-G. GRCh37 (hg19) VCF-style: chr2-179458537-A-G.
Other names: c.53567T>C, p.Met17856Thr (NM_001256850.1); c.31295T>C, p.Met10432Thr (NM_003319.4); c.50786T>C, p.Met16929Thr (NM_133378.4); c.31670T>C, p.Met10557Thr (NM_133432.3); c.31871T>C, p.Met10624Thr (NM_133437.4); short protein forms M10432T, M10557T, M10624T, M16929T, M17856T, M19497T.
Identifiers: ClinVar variation 1331409 (VCV001331409.3), dbSNP rs375365886, ClinGen allele CA1992844.

ClinVar aggregate classification (germline): Uncertain significance. Review status: criteria provided, multiple submitters, no conflicts (2 of 4 stars). 2 submissions from 2 submitters: Uncertain significance (2). Last evaluated 2021-12-14.

Conditions:
Cardiovascular phenotype. Identifiers: MedGen CN230736.

Allele frequency attached by ClinVar (database versions not stated): ExAC 0.00001; gnomAD 0.00001; gnomAD exomes 0.00001; TOPMed 0.00003; ESP Exome Variant Server 0.00008.

Submissions (2):

Women's Health and Genetics/Laboratory Corporation of America, LabCorp
Classification: Uncertain significance. Last evaluated: 2021-12-14. Review status: criteria provided, single submitter. Criteria: LabCorp Variant Classification Summary - May 2015. Collection method: clinical testing. Allele origin: germline.

Ambry Genetics
Classification: Uncertain significance for Cardiovascular phenotype. Last evaluated: 2020-06-15. Review status: criteria provided, single submitter. Criteria: Ambry Variant Classification Scheme 2023. Collection method: clinical testing. Allele origin: germline.
Comment: The p.M10432T variant (also known as c.31295T>C), located in coding exon 125 of the TTN gene, results from a T to C substitution at nucleotide position 31295. The methionine at codon 10432 is replaced by threonine, an amino acid with similar properties. This amino acid position is well conserved in available vertebrate species. In addition, the in silico prediction for this alteration is inconclusive. Since supporting evidence is limited at this time, the clinical significance of this alteration remains unclear.